The following is an entry in ClinVar:

NM_014844.5(TECPR2):c.783T>G (p.Phe261Leu)

Gene: TECPR2 (tectonin beta-propeller repeat containing 2; plus strand). Cytogenetic location: 14q32.31.
Variant type: single nucleotide variant.
Coding change: c.783T>G on transcript NM_014844.5 (MANE Select); coding-DNA position 783, T replaced by G.
Protein change: p.Phe261Leu; replaces phenylalanine 261 with leucine.
Molecular consequence: missense variant.
Genome position (GRCh38, 1-based): chr14:102,425,123, T>G. VCF-style: chr14-102425123-T-G. GRCh37 (hg19) VCF-style: chr14-102891460-T-G.
Other names: c.783T>G, p.Phe261Leu (NM_001172631.3); short protein forms F261L.
Identifiers: ClinVar variation 1951407 (VCV001951407.5), dbSNP rs775608857, ClinGen allele CA7357524.
Genomic context (GRCh38, chr14:102,425,123, plus strand): 5'-GCTATGGAAGGCTGATGTCCACGGGACTGTTCAAGCCACGTTTATCTTAAAAGATGCTTT[T>G]GCCGGGGGAGTCAAGCCTTTTGAACTGCACCCGCGTCTGGAATCCCCCAACAGTGGAAGT-3'
Protein context (NP_055659.2, residues 251-271): VQATFILKDA[Phe261Leu]AGGVKPFELH

ClinVar aggregate classification (germline): Uncertain significance (1 of 4 stars; one submission).

Conditions:
Hereditary spastic paraplegia 49 (HSAN9). Also called: TECPR2-Related Hereditary Sensory and Autonomic Neuropathy with Intellectual Disability; NEUROPATHY, HEREDITARY SENSORY AND AUTONOMIC, TYPE IX, WITH DEVELOPMENTAL DELAY; Spastic paraplegia 49, autosomal recessive. Identifiers: Orphanet 320385, MedGen C5190860, MONDO:0014016, OMIM 615031.

Allele frequency attached by ClinVar (database versions not stated): ExAC 0.00001.

Submission:

Labcorp Genetics (formerly Invitae), Labcorp
Classification: Uncertain significance for Hereditary spastic paraplegia 49. Last evaluated: 2022-06-03. Review status: criteria provided, single submitter. Criteria: Invitae Variant Classification Sherloc (09022015). Collection method: clinical testing. Allele origin: germline.
Comment: In summary, the available evidence is currently insufficient to determine the role of this variant in disease. Therefore, it has been classified as a Variant of Uncertain Significance. Algorithms developed to predict the effect of missense changes on protein structure and function are either unavailable or do not agree on the potential impact of this missense change (SIFT: "Tolerated"; PolyPhen-2: "Possibly Damaging"; Align-GVGD: "Class C0"). This variant has not been reported in the literature in individuals affected with TECPR2-related conditions. This variant is present in population databases (rs775608857, gnomAD 0.0009%). This sequence change replaces phenylalanine, which is neutral and non-polar, with leucine, which is neutral and non-polar, at codon 261 of the TECPR2 protein (p.Phe261Leu).